The following is an entry in ClinVar:

ClinVar aggregate classification (germline): Likely benign. Review status: criteria provided, multiple submitters, no conflicts (2 of 4 stars). 4 submissions from 4 submitters: Likely benign (3). 1 of the submissions does not count toward it. Last evaluated 2025-12-17.

Conditions:
TTN-related disorder. Also called: TTN-related condition; TTN-related disease; TTN-related disorders.
Autosomal recessive limb-girdle muscular dystrophy type 2J (LGMDR10). Also called: Limb-girdle muscular dystrophy, type 2J; MUSCULAR DYSTROPHY, LIMB-GIRDLE, AUTOSOMAL RECESSIVE 10. Identifiers: Orphanet 140922, MedGen C1837342, MONDO:0012127, OMIM 608807.
Dilated cardiomyopathy 1G (CMD1G). Identifiers: Orphanet 154, MedGen C1858763, MONDO:0011400, OMIM 604145.

Allele frequency attached by ClinVar (database versions not stated): ExAC 0.00002; gnomAD exomes 0.00002.
gnomAD v4.1: 49 of 1,612,560 alleles (0.003%); highest among the groups gnomAD compares: Middle Eastern, 0.017%; no homozygotes.

Submissions (4):

Labcorp Genetics (formerly Invitae), Labcorp
Classification: Likely benign for Dilated cardiomyopathy 1G; Autosomal recessive limb-girdle muscular dystrophy type 2J. Last evaluated: 2025-12-17. Review status: criteria provided, single submitter. Criteria: Invitae Variant Classification Sherloc (09022015). Collection method: clinical testing. Allele origin: germline.

CeGaT Center for Human Genetics Tuebingen
Classification: Likely benign. Last evaluated: 2022-07-01. Review status: criteria provided, single submitter. Criteria: CeGaT Center For Human Genetics Tuebingen Variant Classification Criteria Version 2. Collection method: clinical testing. Allele origin: germline. Affected: yes. Observed: 1 variant allele.
Comment: TTN: BP4, BP7

Laboratory for Molecular Medicine, Mass General Brigham Personalized Medicine
Classification: Likely benign. Last evaluated: 2015-03-30. Review status: criteria provided, single submitter. Criteria: LMM Criteria. Collection method: clinical testing. Allele origin: germline. Observed: 1 variant allele.
Comment: p.Asp13576Asp in exon 207 of TTN: This variant is not expected to have clinical significance because it does not alter an amino acid residue and is not located within the splice consensus sequence. It has also been identified in 3/66724 Eur opean chromosomes by the Exome Aggregation Consortium (ExAC).

PreventionGenetics, part of Exact Sciences
Classification: Likely benign for TTN-related condition. Last evaluated: 2019-05-24. Review status: no assertion criteria provided. Collection method: clinical testing. Allele origin: germline. Not counted in ClinVar's aggregate classification.
Comment: This variant is classified as likely benign based on ACMG/AMP sequence variant interpretation guidelines (Richards et al. 2015 PMID: 25741868, with internal and published modifications).

NM_001267550.2(TTN):c.48432T>C (p.Asp16144=)

Genes: TTN (titin; minus strand), TTN-AS1 (TTN antisense RNA 1; plus strand). Cytogenetic location: 2q31.2.
Variant type: single nucleotide variant.
Coding change: c.48432T>C on transcript NM_001267550.2 (MANE Select); coding-DNA position 48432, T replaced by C.
Protein change: p.Asp16144=; no amino-acid change (aspartic acid 16144 retained).
Molecular consequence: synonymous variant.
Genome position (GRCh38, 1-based): chr2:178,615,669, A>G on the plus strand (T>C on the coding strand, the complement: TTN is on the minus strand). VCF-style: chr2-178615669-A-G. GRCh37 (hg19) VCF-style: chr2-179480396-A-G.
Other names: c.43509T>C, p.Asp14503= (NM_001256850.1); c.21237T>C, p.Asp7079= (NM_003319.4); c.21612T>C, p.Asp7204= (NM_133432.3); c.21813T>C, p.Asp7271= (NM_133437.4); c.40728T>C, p.Asp13576= (NM_133378.4).
Identifiers: ClinVar variation 228100 (VCV000228100.41), dbSNP rs776643336, ClinGen allele CA1994831.
Genomic context (GRCh38, chr2:178,615,669, plus strand): 5'-ATTAGGTAAGAAATCATCAAGAATGTACTCACTTGCAGGAGTTGACATATTTACAGGTTC[A>G]TCAACATATGCAGGTTCTCCAGGGCCACATTTGTTACGAGCACAAACTTTAAATAAGTAC-3'
Protein context (NP_001254479.2, residues 16134-16154): KCGPGEPAYV[Asp16144=]EPVNMSTPAT